The following is an entry in ClinVar:

ClinVar aggregate classification (germline): Pathogenic (1 of 4 stars; one submission).

Conditions:
Hereditary breast ovarian cancer syndrome. Also called: Hereditary breast and ovarian cancer syndrome (HBOC); BRCA1- and BRCA2-Associated Hereditary Breast and Ovarian Cancer; Hereditary breast and ovarian cancer syndrome; Breast and ovarian cancer; Hereditary breast and ovarian cancer; Hereditary breast and/or ovarian cancer syndrome. Identifiers: Orphanet 145, MedGen C0677776, MeSH D061325, MONDO:0003582. Disease mechanism: loss of function.

Submission:

Labcorp Genetics (formerly Invitae), Labcorp
Classification: Pathogenic for Hereditary breast ovarian cancer syndrome. Last evaluated: 2017-12-25. Review status: criteria provided, single submitter. Criteria: Invitae Variant Classification Sherloc (09022015). Collection method: clinical testing. Allele origin: germline.
Comment: For these reasons, this variant has been classified as Pathogenic. Loss-of-function variants in BRCA2 are known to be pathogenic (PMID: 20104584). This deletion has not been reported in the literature in individuals with BRCA2-related disease This variant is a gross deletion of the genomic region encompassing exons 2-16 of the BRCA2 gene, which includes the initiator codon. The 5' end of this event is unknown as it extends beyond the assayed region for this gene and therefore may encompass additional genes. The 3' boundary is likely confined to intron 16 of the BRCA2 gene. This is expected to result in an absent or disrupted protein product.

Literature cited by the submitters: PubMed 20104584.

NC_000013.11:g.(?_32316455)_(32357935_?)del

Gene: BRCA2 (BRCA2 DNA repair associated; plus strand). Cytogenetic location: 13q13.1.
Variant type: Deletion.
Identifiers: ClinVar variation 531548 (VCV000531548.9).